The following is an entry in ClinVar:

ClinVar aggregate classification (germline): Uncertain significance. Review status: criteria provided, multiple submitters, no conflicts (2 of 4 stars). 2 submissions from 2 submitters: Uncertain significance (2). Last evaluated 2024-03-07.

Conditions:
Emery-Dreifuss muscular dystrophy 5, autosomal dominant (EDMD5). Also called: EMERY-DREIFUSS MUSCULAR DYSTROPHY 5. Identifiers: Orphanet 261, MedGen C2751805, MONDO:0013072, OMIM 612999.

Allele frequency attached by ClinVar (database versions not stated): ExAC 0.00002; gnomAD 0.00002.
gnomAD v4.1: 13 of 1,614,032 alleles (0.00081%); highest among the groups gnomAD compares: African/African-American, 0.017%; no homozygotes.

Submissions (2):

Ambry Genetics
Classification: Uncertain significance. Last evaluated: 2024-03-07. Review status: criteria provided, single submitter. Criteria: Ambry Variant Classification Scheme 2023. Collection method: clinical testing. Allele origin: germline.

Labcorp Genetics (formerly Invitae), Labcorp
Classification: Uncertain significance for Emery-Dreifuss muscular dystrophy 5, autosomal dominant. Last evaluated: 2023-08-09. Review status: criteria provided, single submitter. Criteria: Invitae Variant Classification Sherloc (09022015). Collection method: clinical testing. Allele origin: germline.
Comment: In summary, the available evidence is currently insufficient to determine the role of this variant in disease. Therefore, it has been classified as a Variant of Uncertain Significance. An algorithm developed to predict the effect of missense changes on protein structure and function (PolyPhen-2) suggests that this variant is likely to be tolerated. This variant has not been reported in the literature in individuals affected with SYNE2-related conditions. This variant is present in population databases (rs760663583, gnomAD 0.02%). This sequence change replaces methionine, which is neutral and non-polar, with leucine, which is neutral and non-polar, at codon 3961 of the SYNE2 protein (p.Met3961Leu).

NM_182914.3(SYNE2):c.11881A>C (p.Met3961Leu)

Gene: SYNE2 (spectrin repeat containing nuclear envelope protein 2; plus strand). Cytogenetic location: 14q23.2.
Variant type: single nucleotide variant.
Coding change: c.11881A>C on transcript NM_182914.3 (MANE Select); coding-DNA position 11881, A replaced by C.
Protein change: p.Met3961Leu; replaces methionine 3961 with leucine.
Molecular consequence: missense variant.
Genome position (GRCh38, 1-based): chr14:64,090,953, A>C. VCF-style: chr14-64090953-A-C. GRCh37 (hg19) VCF-style: chr14-64557671-A-C.
Other names: c.11881A>C (NM_182914.2); c.11881A>C, p.Met3961Leu (NM_015180.6); short protein forms M3961L.
Identifiers: ClinVar variation 2919497 (VCV002919497.4), dbSNP rs760663583, ClinGen allele CA7221946.